The following is an entry in ClinVar:

ClinVar aggregate classification (germline): Uncertain significance (1 of 4 stars; one submission).

Conditions:
Epilepsy, childhood absence, susceptibility to, 5. Identifiers: Orphanet 64280, MedGen C2677087, MONDO:0012843, OMIM 612269.
Epilepsy, childhood absence, susceptibility to, 1. Also called: Epilepsy, childhood absence 1. Identifiers: Orphanet 64280, MedGen C1838604, MONDO:0020759, OMIM 600131.

Submission:

Labcorp Genetics (formerly Invitae), Labcorp
Classification: Uncertain significance for Epilepsy, childhood absence, susceptibility to, 5; Epilepsy, childhood absence, susceptibility to, 1. Last evaluated: 2025-08-23. Review status: criteria provided, single submitter. Criteria: Invitae Variant Classification Sherloc (09022015). Collection method: clinical testing. Allele origin: germline.
Comment: This sequence change falls in intron 2 of the GABRB3 gene. It does not directly change the encoded amino acid sequence of the GABRB3 protein. It affects a nucleotide within the consensus splice site. This variant is not present in population databases (gnomAD no frequency). This variant has not been reported in the literature in individuals affected with GABRB3-related conditions. ClinVar contains an entry for this variant (Variation ID: 1997137). Variants that disrupt the consensus splice site are a relatively common cause of aberrant splicing (PMID: 17576681, 9536098). Algorithms developed to predict the effect of sequence changes on RNA splicing suggest that this variant is not likely to affect RNA splicing. In summary, the available evidence is currently insufficient to determine the role of this variant in disease. Therefore, it has been classified as a Variant of Uncertain Significance.

Literature cited by the submitters: PubMed 17576681; PubMed 9536098.

NM_000814.6(GABRB3):c.172+6T>C

Gene: GABRB3 (gamma-aminobutyric acid type A receptor subunit beta3; minus strand). Cytogenetic location: 15q12.
Variant type: single nucleotide variant.
Coding change: c.172+6T>C on transcript NM_000814.6 (MANE Select); 6 bases into the intron after coding-DNA position 172, T replaced by C.
Molecular consequence: intron variant.
Genome position (GRCh38, 1-based): chr15:26,772,675, A>G on the plus strand (T>C on the coding strand, the complement: GABRB3 is on the minus strand). VCF-style: chr15-26772675-A-G. GRCh37 (hg19) VCF-style: chr15-27017822-A-G.
Other names: c.172+6T>C (NM_021912.5); c.-180+6T>C (NM_001278631.2).
Identifiers: ClinVar variation 1997137 (VCV001997137.4), dbSNP rs2504094992, ClinGen allele CA2575652017.